The following is an entry in ClinVar:

NM_001379500.1(COL18A1):c.988G>C (p.Gly330Arg)

Gene: COL18A1 (collagen type XVIII alpha 1 chain; plus strand). Cytogenetic location: 21q22.3.
Variant type: single nucleotide variant.
Coding change: c.988G>C on transcript NM_001379500.1 (MANE Select); coding-DNA position 988, G replaced by C.
Protein change: p.Gly330Arg; replaces glycine 330 with arginine.
Molecular consequence: missense variant.
Genome position (GRCh38, 1-based): chr21:45,477,470, G>C. VCF-style: chr21-45477470-G-C. GRCh37 (hg19) VCF-style: chr21-46897384-G-C.
Other names: c.1528G>C, p.Gly510Arg (NM_030582.4); c.2233G>C, p.Gly745Arg (NM_130444.3); c.1528G>C (NM_030582.3); short protein forms G330R, G745R, G510R.
Identifiers: ClinVar variation 1443753 (VCV001443753.6), dbSNP rs765866228, ClinGen allele CA10066038.
Genomic context (GRCh38, chr21:45,477,470, plus strand): 5'-GCTCAGACACTTCCTGGCTCAGATTCTGTCTCCACGTGGGACGGGAGTGTCCGGACCCCT[G>C]GGGGCCGCGTGAAAGAGGTAAGGCCACCTCCCTGTGCTCCTGAACCATTCTGAACCAGAG-3'
Protein context (NP_001366429.1, residues 320-340): STWDGSVRTP[Gly330Arg]GRVKEGGLKG

ClinVar aggregate classification (germline): Uncertain significance. Review status: criteria provided, multiple submitters, no conflicts (2 of 4 stars). 2 submissions from 2 submitters: Uncertain significance (2). Last evaluated 2025-03-20.

Conditions:
COL18A1-related disorder. Also called: COL18A1-related disorders; COL18A1-related condition.

Allele frequency attached by ClinVar (database versions not stated): gnomAD exomes below 0.00001 and 0.00001; ExAC 0.00001; TOPMed 0.00003; gnomAD 0.00004.
gnomAD v4.1: 14 of 1,611,172 alleles (0.00087%); highest among the groups gnomAD compares: African/African-American, 0.013%; no homozygotes.

Submissions (2):

PreventionGenetics, part of Exact Sciences
Classification: Uncertain significance for COL18A1-related condition. Last evaluated: 2025-03-20. Review status: criteria provided, single submitter. Criteria: ACMG Guidelines, 2015. Collection method: clinical testing. Allele origin: germline.
Comment: The COL18A1 c.1528G>C variant is predicted to result in the amino acid substitution p.Gly510Arg. To our knowledge, this variant has not been reported in the literature. This variant is reported in 0.013% of alleles in individuals of African descent in gnomAD. At this time, the clinical significance of this variant is uncertain due to the absence of conclusive functional and genetic evidence.

Labcorp Genetics (formerly Invitae), Labcorp
Classification: Uncertain significance. Last evaluated: 2023-11-02. Review status: criteria provided, single submitter. Criteria: Invitae Variant Classification Sherloc (09022015). Collection method: clinical testing. Allele origin: germline.
Comment: This sequence change replaces glycine, which is neutral and non-polar, with arginine, which is basic and polar, at codon 330 of the COL18A1 protein (p.Gly330Arg). This variant is present in population databases (rs765866228, gnomAD 0.01%). This variant has not been reported in the literature in individuals affected with COL18A1-related conditions. ClinVar contains an entry for this variant (Variation ID: 1443753). Experimental studies and prediction algorithms are not available or were not evaluated, and the functional significance of this variant is currently unknown. In summary, the available evidence is currently insufficient to determine the role of this variant in disease. Therefore, it has been classified as a Variant of Uncertain Significance.